The following is an entry in ClinVar:

NM_024426.6(WT1):c.875C>T (p.Thr292Met)

Gene: WT1 (WT1 transcription factor; minus strand). Cytogenetic location: 11p13.
Variant type: single nucleotide variant.
Coding change: c.875C>T on transcript NM_024426.6 (MANE Select); coding-DNA position 875, C replaced by T.
Protein change: p.Thr292Met; replaces threonine 292 with methionine.
Molecular consequence: missense variant. On other transcripts: non-coding transcript variant (1).
Genome position (GRCh38, 1-based): chr11:32,427,968, G>A on the plus strand (C>T on the coding strand, the complement: WT1 is on the minus strand). VCF-style: chr11-32427968-G-A. GRCh37 (hg19) VCF-style: chr11-32449514-G-A.
Other names: c.224C>T, p.Thr75Met (NM_001198552.2, NM_001198551.2); c.875C>T, p.Thr292Met (NM_001407044.1, NM_001407045.1, NM_001407046.1 and 4 more transcripts); c.752C>T, p.Thr251Met (NM_001407047.1, NM_001407050.1); c.113C>T, p.Thr38Met (NM_001407051.1); c.860C>T, p.Thr287Met (NM_024425.2); short protein forms T292M, T75M, T251M, T287M, T38M.
Identifiers: ClinVar variation 1352327 (VCV001352327.7), dbSNP rs1853114358, ClinGen allele CA379962822.

ClinVar aggregate classification (germline): Uncertain significance (1 of 4 stars; one submission).

Conditions:
Frasier syndrome. Identifiers: Orphanet 347, MedGen C0950122, MeSH D052159, MONDO:0007635, OMIM 136680.
Wilms tumor 1 (WT1). Also called: Wilms tumor, somatic. Identifiers: Orphanet 654, MedGen CN033288, MONDO:0008679, OMIM 194070.
11p partial monosomy syndrome (WAGR). Also called: WAGR Spectrum Disorder; CHROMOSOME 11p13 DELETION SYNDROME; WAGR Complex; WAGR syndrome. Identifiers: Orphanet 893, MedGen C0206115, MONDO:0008681, OMIM 194072.
Drash syndrome (DDS). Also called: NEPHROPATHY, WILMS TUMOR, AND GENITAL ANOMALIES; WILMS TUMOR AND PSEUDO- OR TRUE HERMAPHRODITISM. Identifiers: Orphanet 220, MedGen C0950121, MONDO:0008682, OMIM 194080.

Submission:

Labcorp Genetics (formerly Invitae), Labcorp
Classification: Uncertain significance for Wilms tumor 1; Drash syndrome; 11p partial monosomy syndrome; Frasier syndrome. Last evaluated: 2021-11-18. Review status: criteria provided, single submitter. Criteria: Invitae Variant Classification Sherloc (09022015). Collection method: clinical testing. Allele origin: germline.
Comment: In summary, the available evidence is currently insufficient to determine the role of this variant in disease. Therefore, it has been classified as a Variant of Uncertain Significance. Algorithms developed to predict the effect of missense changes on protein structure and function are either unavailable or do not agree on the potential impact of this missense change (SIFT: "Deleterious"; PolyPhen-2: "Probably Damaging"; Align-GVGD: "Class C15"). This variant has not been reported in the literature in individuals affected with WT1-related conditions. This variant is not present in population databases (gnomAD no frequency). This sequence change replaces threonine, which is neutral and polar, with methionine, which is neutral and non-polar, at codon 287 of the WT1 protein (p.Thr287Met).